The following is an entry in ClinVar:

NM_032447.5(FBN3):c.2656G>A (p.Val886Ile)

Gene: FBN3 (fibrillin 3; minus strand). Cytogenetic location: 19p13.2.
Variant type: single nucleotide variant.
Coding change: c.2656G>A on transcript NM_032447.5 (MANE Select); coding-DNA position 2656, G replaced by A.
Protein change: p.Val886Ile; replaces valine 886 with isoleucine.
Molecular consequence: missense variant.
Genome position (GRCh38, 1-based): chr19:8,125,967, C>T on the plus strand (G>A on the coding strand, the complement: FBN3 is on the minus strand). VCF-style: chr19-8125967-C-T. GRCh37 (hg19) VCF-style: chr19-8190851-C-T.
Other names: c.2656G>A, p.Val886Ile (NM_001321431.2); short protein forms V886I.
Identifiers: ClinVar variation 3711853 (VCV003711853.2).

ClinVar aggregate classification (germline): Uncertain significance (1 of 4 stars; one submission).

gnomAD v4.1: 18 of 1,613,730 alleles (0.0011%); highest among the groups gnomAD compares: East Asian, 0.0045%; no homozygotes.

Submission:

Labcorp Genetics (formerly Invitae), Labcorp
Classification: Uncertain significance. Last evaluated: 2024-04-05. Review status: criteria provided, single submitter. Criteria: Invitae Variant Classification Sherloc (09022015). Collection method: clinical testing. Allele origin: germline.
Comment: This sequence change replaces valine, which is neutral and non-polar, with isoleucine, which is neutral and non-polar, at codon 886 of the FBN3 protein (p.Val886Ile). This variant is present in population databases (rs758594630, gnomAD 0.01%). This variant has not been reported in the literature in individuals affected with FBN3-related conditions. Advanced modeling of protein sequence and biophysical properties (such as structural, functional, and spatial information, amino acid conservation, physicochemical variation, residue mobility, and thermodynamic stability) performed at Invitae indicates that this missense variant is not expected to disrupt FBN3 protein function with a negative predictive value of 80%. In summary, the available evidence is currently insufficient to determine the role of this variant in disease. Therefore, it has been classified as a Variant of Uncertain Significance.